The following is an entry in ClinVar:

NM_001009944.3(PKD1):c.297C>T (p.Ser99=)

Gene: PKD1 (polycystin 1, transient receptor potential channel interacting; minus strand). Cytogenetic location: 16p13.3.
Variant type: single nucleotide variant.
Coding change: c.297C>T on transcript NM_001009944.3 (MANE Select); coding-DNA position 297, C replaced by T.
Protein change: p.Ser99=; no amino-acid change (serine 99 retained).
Molecular consequence: synonymous variant.
Genome position (GRCh38, 1-based): chr16:2,119,176, G>A on the plus strand (C>T on the coding strand, the complement: PKD1 is on the minus strand). VCF-style: chr16-2119176-G-A. GRCh37 (hg19) VCF-style: chr16-2169177-G-A.
Other names: c.297C>T, p.Ser99= (NM_000296.4).
Identifiers: ClinVar variation 4978293 (VCV004978293.1).
Genomic context (GRCh38, chr16:2,119,176, plus strand): 5'-TTCACTTAAATTAAATAAATTAGCAAATATTCCTTCTTCTAACGTAGAAATCTTGTTGTT[G>A]CTTATATCCCTGGAAGAGACGGGGGATTCGGCAAAGCTGATGGAAGCCCCCACAGCTGAG-3'
Protein context (NP_001009944.3, residues 89-109): NLSALAELDI[Ser99=]NNKISTLEEG

ClinVar aggregate classification (germline): Likely benign (1 of 4 stars; one submission).

Conditions:
PKD1-related disorder. Also called: PKD1-related condition.

gnomAD v4.1: 71 of 1,535,380 alleles (0.0046%); highest among the groups gnomAD compares: Admixed American, 0.055%; no homozygotes.

Submission:

PreventionGenetics, part of Exact Sciences
Classification: Likely benign for PKD1-related condition. Last evaluated: 2026-01-06. Review status: criteria provided, single submitter. Criteria: ACMG Guidelines, 2015. Collection method: clinical testing. Allele origin: germline.
Comment: This variant is classified as likely benign based on ACMG/AMP sequence variant interpretation guidelines (Richards et al. 2015 PMID: 25741868, with internal and published modifications).